The following is an entry in ClinVar:

ClinVar aggregate classification (germline): not provided (0 of 4 stars; one submission).

Conditions:
Sarcoma. Identifiers: MedGen C1261473, MONDO:0005089, HP:0100242.

Allele frequency attached by ClinVar (database versions not stated): gnomAD exomes below 0.00001.

Submission:

Laboratory of Translational Genomics,  National Cancer Institute
No classification provided. Review status: no classification provided. Collection method: not provided. Allele origin: somatic.
Comment: Pediatric sarcoma specimen

NM_000142.5(FGFR3):c.2135G>A (p.Arg712His)

Gene: FGFR3 (fibroblast growth factor receptor 3; plus strand). Cytogenetic location: 4p16.3.
Variant type: single nucleotide variant.
Coding change: c.2135G>A on transcript NM_000142.5 (MANE Select); coding-DNA position 2135, G replaced by A.
Protein change: p.Arg712His; replaces arginine 712 with histidine.
Molecular consequence: missense variant. On other transcripts: synonymous variant (1), non-coding transcript variant (1).
Genome position (GRCh38, 1-based): chr4:1,806,650, G>A. VCF-style: chr4-1806650-G-A. GRCh37 (hg19) VCF-style: chr4-1808377-G-A.
Other names: c.2141G>A, p.Arg714His (NM_001163213.2); c.2138G>A, p.Arg713His (NM_001354809.2); c.2067G>A, p.Pro689= (NM_001354810.2); c.1799G>A, p.Arg600His (NM_022965.4); short protein forms R712H, R600H, R714H, R713H.
Identifiers: ClinVar variation 132968 (VCV000132968.1), dbSNP rs104886024, ClinGen allele CA156301.